The following is an entry in ClinVar:

ClinVar aggregate classification (germline): Uncertain significance. Review status: criteria provided, multiple submitters, no conflicts (2 of 4 stars). 2 submissions from 2 submitters: Uncertain significance (2). Last evaluated 2025-11-26.

Conditions:
Hereditary cancer-predisposing syndrome. Also called: Hereditary neoplastic syndrome; Hereditary Cancer Syndrome; Tumor predisposition; Neoplastic Syndromes, Hereditary. Identifiers: Orphanet 140162, MedGen C0027672, MeSH D009386, MONDO:0015356.
EGFR-related lung cancer (EGFR). Identifiers: MedGen CN130014.

Submissions (2):

Ambry Genetics
Classification: Uncertain significance for Hereditary cancer-predisposing syndrome. Last evaluated: 2025-11-26. Review status: criteria provided, single submitter. Criteria: Ambry Variant Classification Scheme 2023. Collection method: clinical testing. Allele origin: germline.
Comment: The c.628+2dupT intronic variant is located 2 nucleotides after coding exon 5 of the EGFR gene. This variant results from a duplication of one nucleotide at position c.628+2. This nucleotide position is highly conserved in available vertebrate species. In silico splice site analysis predicts that this alteration will weaken the native splice donor site. Based on the available evidence, the clinical significance of this variant remains unclear.

Labcorp Genetics (formerly Invitae), Labcorp
Classification: Uncertain significance for EGFR-related lung cancer. Last evaluated: 2022-06-08. Review status: criteria provided, single submitter. Criteria: Invitae Variant Classification Sherloc (09022015). Collection method: clinical testing. Allele origin: germline.
Comment: Variants that disrupt the consensus splice site are a relatively common cause of aberrant splicing (PMID: 17576681, 9536098). Algorithms developed to predict the effect of sequence changes on RNA splicing suggest that this variant may disrupt the consensus splice site. In summary, the available evidence is currently insufficient to determine the role of this variant in disease. Therefore, it has been classified as a Variant of Uncertain Significance. This variant has not been reported in the literature in individuals affected with EGFR-related conditions. This variant is not present in population databases (gnomAD no frequency). This sequence change falls in intron 5 of the EGFR gene. It does not directly change the encoded amino acid sequence of the EGFR protein. It affects a nucleotide within the consensus splice site.

Literature cited by the submitters: PubMed 17576681 (cited by Labcorp Genetics (formerly Invitae), Labcorp); PubMed 9536098 (cited by Labcorp Genetics (formerly Invitae), Labcorp).

NM_005228.5(EGFR):c.628+2dup

Gene: EGFR (epidermal growth factor receptor; plus strand). Cytogenetic location: 7p11.2.
Variant type: Duplication.
Coding change: c.628+2dup on transcript NM_005228.5 (MANE Select); the canonical splice donor site of the intron after coding-DNA position 628, one base duplicated (T; older notation c.628+2dupT).
Molecular consequence: splice donor variant. On other transcripts: intron variant (1).
Genome position (GRCh38, 1-based): chr7:55,151,364, T duplicated. VCF-style (leftmost placement, unchanged base first): chr7-55151363-G-GT. GRCh37 (hg19) VCF-style: chr7-55219056-G-GT.
Other names: c.493+2dup (NM_001346899.2, NM_001346897.2); c.89-4466dup (NM_001346941.2); c.628+2dup (NM_001346898.2, NM_201284.2, NM_201282.2 and 1 more transcripts); c.469+2dup (NM_001346900.2); c.628+2dupT (NM_005228.3).
Identifiers: ClinVar variation 2003462 (VCV002003462.5), dbSNP rs2535491162, ClinGen allele CA2580077235.